The following is an entry in ClinVar:

NM_020843.4(SCAPER):c.2025A>G (p.Glu675=)

Gene: SCAPER (S-phase cyclin A associated protein in the ER; minus strand). Cytogenetic location: 15q24.3.
Variant type: single nucleotide variant.
Coding change: c.2025A>G on transcript NM_020843.4 (MANE Select); coding-DNA position 2025, A replaced by G.
Protein change: p.Glu675=; no amino-acid change (glutamic acid 675 retained).
Molecular consequence: synonymous variant. On other transcripts: non-coding transcript variant (1).
Genome position (GRCh38, 1-based): chr15:76,728,735, T>C on the plus strand (A>G on the coding strand, the complement: SCAPER is on the minus strand). VCF-style: chr15-76728735-T-C. GRCh37 (hg19) VCF-style: chr15-77021076-T-C.
Other names: c.2043A>G (NM_001353009.1); c.1287A>G, p.Glu429= (NM_001145923.2); c.2043A>G, p.Glu681= (NM_001353009.2); c.1623A>G, p.Glu541= (NM_001353010.2, NM_001353012.2); c.1641A>G, p.Glu547= (NM_001353011.2).
Identifiers: ClinVar variation 4925973 (VCV004925973.2).

ClinVar aggregate classification (germline): Likely benign. Review status: criteria provided, multiple submitters, no conflicts (2 of 4 stars). 2 submissions from 2 submitters: Likely benign (2). Last evaluated 2025-05-15.

Conditions:
SCAPER-related disorder. Also called: SCAPER-related condition.

gnomAD v4.1: 44 of 1,606,146 alleles (0.0027%); highest among the groups gnomAD compares: East Asian, 0.025%; no homozygotes.

Submissions (2):

PreventionGenetics, part of Exact Sciences
Classification: Likely benign for SCAPER-related condition. Last evaluated: 2025-05-15. Review status: criteria provided, single submitter. Criteria: ACMG Guidelines, 2015. Collection method: clinical testing. Allele origin: germline.
Comment: This variant is classified as likely benign based on ACMG/AMP sequence variant interpretation guidelines (Richards et al. 2015 PMID: 25741868, with internal and published modifications).

Blueprint Genetics
Classification: Likely benign. Last evaluated: 2024-01-30. Review status: criteria provided, single submitter. Criteria: ACMG Guidelines, 2015. Collection method: clinical testing. Allele origin: germline.